The following is an entry in ClinVar:

ClinVar aggregate classification (germline): Uncertain significance (1 of 4 stars; one submission).

Allele frequency attached by ClinVar (database versions not stated): gnomAD exomes below 0.00001.
gnomAD v4.1: 1 of 1,613,906 alleles (0.000062%); highest among the groups gnomAD compares: Non-Finnish European, 0.000085%; no homozygotes.

Submission:

GeneDx
Classification: Uncertain significance. Last evaluated: 2022-02-02. Review status: criteria provided, single submitter. Criteria: GeneDx Variant Classification Process June 2021. Collection method: clinical testing. Allele origin: germline. Affected: yes.
Comment: Not observed at significant frequency in large population cohorts (gnomAD); In silico analysis supports that this missense variant has a deleterious effect on protein structure/function; Has not been previously published as pathogenic or benign to our knowledge

NM_001693.4(ATP6V1B2):c.202T>C (p.Tyr68His)

Gene: ATP6V1B2 (ATPase H+ transporting V1 subunit B2; plus strand). Cytogenetic location: 8p21.3.
Variant type: single nucleotide variant.
Coding change: c.202T>C on transcript NM_001693.4 (MANE Select); coding-DNA position 202, T replaced by C.
Protein change: p.Tyr68His; replaces tyrosine 68 with histidine.
Molecular consequence: missense variant.
Genome position (GRCh38, 1-based): chr8:20,209,442, T>C. VCF-style: chr8-20209442-T-C. GRCh37 (hg19) VCF-style: chr8-20066953-T-C.
Other names: short protein forms Y68H.
Identifiers: ClinVar variation 1700407 (VCV001700407.2), dbSNP rs2128885541, ClinGen allele CA370471012.